The following is an entry in ClinVar:

NM_004415.4(DSP):c.3799C>T (p.Arg1267Ter)

Gene: DSP (desmoplakin; plus strand). Cytogenetic location: 6p24.3.
Variant type: single nucleotide variant.
Coding change: c.3799C>T on transcript NM_004415.4 (MANE Select); coding-DNA position 3799, C replaced by T.
Protein change: p.Arg1267Ter; replaces arginine 1267 with a stop codon.
Molecular consequence: nonsense. On other transcripts: intron variant (1).
Genome position (GRCh38, 1-based): chr6:7,579,989, C>T. VCF-style: chr6-7579989-C-T. GRCh37 (hg19) VCF-style: chr6-7580222-C-T.
Other names: c.3799C>T, p.Arg1267Ter (NM_001319034.2, LRG_423t1); c.3582+217C>T (NM_001008844.3); short protein forms R1267*.
Identifiers: ClinVar variation 16845 (VCV000016845.19), dbSNP rs121912997, ClinGen allele CA004255.

ClinVar aggregate classification (germline): Pathogenic/Likely pathogenic. Review status: criteria provided, multiple submitters, no conflicts (2 of 4 stars). 9 submissions from 9 submitters: Pathogenic (7); Likely pathogenic (1). 1 of the submissions does not count toward it. Last evaluated 2025-07-08.

Conditions:
Cardiovascular phenotype. Identifiers: MedGen CN230736.
Arrhythmogenic right ventricular dysplasia 8 (ARVD8). Also called: ARRHYTHMOGENIC RIGHT VENTRICULAR DYSPLASIA, FAMILIAL, 8; ARRHYTHMOGENIC RIGHT VENTRICULAR CARDIOMYOPATHY 8; Arrhythmogenic Right Ventricular Dysplasia/Cardiomyopathy 8. Identifiers: MedGen C1843896, MONDO:0011831, OMIM 607450.
Arrhythmogenic cardiomyopathy with wooly hair and keratoderma. Also called: Dilated cardiomyopathy with woolly hair and keratoderma; PALMOPLANTAR KERATODERMA WITH LEFT VENTRICULAR CARDIOMYOPATHY AND WOOLLY HAIR; Arrhythmogenic cardiomyopathy with woolly hair and keratoderma; Carvajal syndrome. Identifiers: Orphanet 65282, MedGen C1854063, MONDO:0011581, OMIM 605676.
Cardiomyopathy (CMYO). Also called: Cardiomyopathies. Identifiers: Orphanet 167848, MedGen C0878544, MONDO:0004994, HP:0001638. Inheritance: Various modes of inheritance.
Primary dilated cardiomyopathy (DCM). Also called: Dilated Cardiomyopathy. Identifiers: Orphanet 217604, MedGen C0007193, MeSH D002311, MONDO:0005021, HP:0001644. Inheritance: Various modes of inheritance.

Allele frequency attached by ClinVar (database versions not stated): gnomAD exomes below 0.00001.
gnomAD v4.1: 2 of 1,614,018 alleles (0.00012%); highest among the groups gnomAD compares: East Asian, 0.0022%; no homozygotes.

Submissions 1 to 6 of 9:

GeneDx
Classification: Pathogenic. Last evaluated: 2025-07-08. Review status: criteria provided, single submitter. Criteria: GeneDx Variant Classification Process June 2021. Collection method: clinical testing. Allele origin: germline. Affected: yes.
Comment: Nonsense variant predicted to result in protein truncation or nonsense mediated decay in a gene for which loss of function is a known mechanism of disease; Reported in the heterozygous state in association with DCM and arrhythmogenic cardiomyopathy; however, patient-specific details were not provided (PMID: 35083019, 31737537); Not observed at significant frequency in large population cohorts (gnomAD); This variant is associated with the following publications: (PMID: 25525159, 36580316, 16467215, 34426522, 30398466, 31737537, 31073624, 34691145, 30993396, 35083019)

Labcorp Genetics (formerly Invitae), Labcorp
Classification: Pathogenic for Arrhythmogenic cardiomyopathy with wooly hair and keratoderma; Arrhythmogenic right ventricular dysplasia 8. Last evaluated: 2024-11-24. Review status: criteria provided, single submitter. Criteria: Invitae Variant Classification Sherloc (09022015). Collection method: clinical testing. Allele origin: germline.
Comment: This sequence change creates a premature translational stop signal (p.Arg1267*) in the DSP gene. It is expected to result in an absent or disrupted protein product. Loss-of-function variants in DSP are known to be pathogenic (PMID: 20716751, 24503780, 25227139). This variant is not present in population databases (gnomAD no frequency). This premature translational stop signal has been observed in individuals with clinical features of Carvajal syndrome (PMID: 16467215, 30993396). ClinVar contains an entry for this variant (Variation ID: 16845). For these reasons, this variant has been classified as Pathogenic.

Women's Health and Genetics/Laboratory Corporation of America, LabCorp
Classification: Pathogenic for Arrhythmogenic cardiomyopathy with wooly hair and keratoderma. Last evaluated: 2024-05-10. Review status: criteria provided, single submitter. Criteria: LabCorp Variant Classification Summary - May 2015. Collection method: clinical testing. Allele origin: germline.
Comment: Variant summary: DSP c.3799C>T (p.Arg1267X) results in a premature termination codon, predicted to cause a truncation of the encoded protein or absence of the protein due to nonsense mediated decay, which are commonly known mechanisms for disease. The variant was absent in 250804 control chromosomes. c.3799C>T has been reported in the literature in individuals affected with Carvajal Syndrome and dilated Cardiomyopathy (Uzumcu_2006). To our knowledge, no experimental evidence demonstrating an impact on protein function has been reported. The following publication have been ascertained in the context of this evaluation (PMID: 16467215). ClinVar contains an entry for this variant (Variation ID: 16845). Based on the evidence outlined above, the variant was classified as pathogenic.

Ambry Genetics
Classification: Pathogenic for Cardiovascular phenotype. Last evaluated: 2023-10-23. Review status: criteria provided, single submitter. Criteria: Ambry Variant Classification Scheme 2023. Collection method: clinical testing. Allele origin: germline.
Comment: The p.R1267* pathogenic mutation (also known as c.3799C>T), located in coding exon 23 of the DSP gene, results from a C to T substitution at nucleotide position 3799. This changes the amino acid from an arginine to a stop codon within coding exon 23. Alterations in DSP that result in haploinsufficiency or protein truncation have been reported in patients with arrhythmogenic right ventricular cardiomyopathy (ARVC) and dilated cardiomyopathy (DCM) (Fressart V et al. Europace. 2010;12(6):861-8; Elliott P et al. Circ Cardiovasc Genet. 2010;3(4):314-22; Quarta G et al. Circulation. 2011;123(23):2701-9; Garcia-Pavia P et al. Heart. 2011;97(21):1744-52; Rasmussen TB et al. Clin Genet. 2013;84(1):20-30; Pugh TJ et al. Genet Med. 2014;16(8):601-8). This particular variant has been reported in the homozygous state in a subject with left and right ventricular involvement, wooly hair and palmar keratoderma (Uzumcu A et al. J. Med. Genet., 2006 Feb;43:e5). This variant has also been reported in the compound heterozygous state in two siblings with dilated cardiomyopathy (DCM) (Surmacz R et al. Pol. Arch. Intern. Med., 2018 12;128:785-787). This variant is considered to be rare based on population cohorts in the Genome Aggregation Database (gnomAD). In addition to the clinical data presented in the literature, this alteration is expected to result in loss of function by premature protein truncation or nonsense-mediated mRNA decay. Based on the supporting evidence, this alteration is interpreted as a disease-causing mutation.

All of Us Research Program, National Institutes of Health
Classification: Pathogenic for Arrhythmogenic cardiomyopathy with wooly hair and keratoderma. Last evaluated: 2023-10-02. Review status: criteria provided, single submitter. Criteria: ACMG Guidelines, 2015. Collection method: clinical testing. Allele origin: germline. Inheritance: Autosomal dominant inheritance. Observed: 1 variant allele, 1 heterozygote.
Comment: This variant changes 1 nucleotide in exon 23 of the DSP gene, creating a premature translation stop signal. This variant is expected to result in an absent or non-functional protein product. A study with skin biopsies from carrier individuals has shown that this variant causes an absent expression of the major DSP transcript (NM_004415) in the heart (PMID: 16467215). This variant has been reported in homozygous state in an individual affected with arrhythmogenic cardiomyopathy with epidermolytic palmoplantar keratoderma and wooly hair (PMID: 16467215), and in compound heterozygous state with another DSP pathogenic variant in an individual affected with arrhythmogenic-dilated cardiomyopathy with epidermolytic palmoplantar keratoderma and wooly hair (PMID: 30993396). This variant has not been identified in the general population by the Genome Aggregation Database (gnomAD). Loss of DSP function is a known mechanism of disease. Based on the available evidence, this variant is classified as Pathogenic.

This study involves interpretation of variants in research participants for the purpose of population health screening. Participant phenotype was not available at the time of variant classification. Additional details can be found in publication PMID: 35346344, PMCID: PMC8962531

Color Diagnostics, LLC DBA Color Health
Classification: Pathogenic for Cardiomyopathy. Last evaluated: 2023-08-21. Review status: criteria provided, single submitter. Criteria: ACMG Guidelines, 2015. Collection method: clinical testing. Allele origin: germline.
Comment: This variant changes 1 nucleotide in exon 23 of the DSP gene, creating a premature translation stop signal. This variant is expected to result in an absent or non-functional protein product. A study with skin biopsies from carrier individuals has shown that this variant causes an absent expression of the major DSP transcript (NM_004415) in the heart (PMID: 16467215). This variant has been reported in homozygous state in an individual affected with arrhythmogenic cardiomyopathy with epidermolytic palmoplantar keratoderma and wooly hair (PMID: 16467215), and in compound heterozygous state with another DSP pathogenic variant in an individual affected with arrhythmogenic-dilated cardiomyopathy with epidermolytic palmoplantar keratoderma and wooly hair (PMID: 30993396). This variant has not been identified in the general population by the Genome Aggregation Database (gnomAD). Loss of DSP function is a known mechanism of disease. Based on the available evidence, this variant is classified as Pathogenic.